The following is an entry in ClinVar:

NM_000257.4(MYH7):c.2209G>T (p.Asp737Tyr)

Gene: MYH7 (myosin heavy chain 7; minus strand). Cytogenetic location: 14q11.2.
Variant type: single nucleotide variant.
Coding change: c.2209G>T on transcript NM_000257.4 (MANE Select); coding-DNA position 2209, G replaced by T.
Protein change: p.Asp737Tyr; replaces aspartic acid 737 with tyrosine.
Molecular consequence: missense variant.
Genome position (GRCh38, 1-based): chr14:23,425,772, C>A on the plus strand (G>T on the coding strand, the complement: MYH7 is on the minus strand). VCF-style: chr14-23425772-C-A. GRCh37 (hg19) VCF-style: chr14-23894981-C-A.
Other names: c.2209G>T (LRG_384t1); short protein forms D737Y.
Identifiers: ClinVar variation 418360 (VCV000418360.7), dbSNP rs1064793205, ClinGen allele CA16619852.

ClinVar aggregate classification (germline): Uncertain significance. Review status: criteria provided, multiple submitters, no conflicts (2 of 4 stars). 2 submissions from 2 submitters: Uncertain significance (2). Last evaluated 2021-12-14.

Conditions:
Hypertrophic cardiomyopathy. Also called: HYPERTROPHIC MYOCARDIOPATHY. Identifiers: Orphanet 217569, MedGen C0007194, MeSH D002312, MONDO:0005045, HP:0001639.

Submissions (2):

Labcorp Genetics (formerly Invitae), Labcorp
Classification: Uncertain significance for Hypertrophic cardiomyopathy. Last evaluated: 2021-12-14. Review status: criteria provided, single submitter. Criteria: Invitae Variant Classification Sherloc (09022015). Collection method: clinical testing. Allele origin: germline.
Comment: Algorithms developed to predict the effect of missense changes on protein structure and function (SIFT, PolyPhen-2, Align-GVGD) all suggest that this variant is likely to be disruptive. ClinVar contains an entry for this variant (Variation ID: 418360). This variant has not been reported in the literature in individuals affected with MYH7-related conditions. This variant is not present in population databases (gnomAD no frequency). This sequence change replaces aspartic acid, which is acidic and polar, with tyrosine, which is neutral and polar, at codon 737 of the MYH7 protein (p.Asp737Tyr). This variant is found within a region of MYH7 between codons 181 and 937 that contains the majority of the myosin head domain. Missense variants in this region have been shown to be significantly overrepresented in individuals with hypertrophic cardiomyopathy (PMID: 27532257). In summary, the available evidence is currently insufficient to determine the role of this variant in disease. Therefore, it has been classified as a Variant of Uncertain Significance.

GeneDx
Classification: Uncertain significance. Last evaluated: 2018-02-23. Review status: criteria provided, single submitter. Criteria: GeneDx Variant Classification (06012015). Collection method: clinical testing. Allele origin: germline. Affected: yes.
Comment: The D737Y variant of uncertain significance in the MYH7 gene has not been published as pathogenic or been reported as benign to our knowledge. This variant is not observed in large population cohorts (Lek et al., 2016). The D737Y variant is a non-conservative amino acid substitution, which is likely to impact secondary protein structure as these residues differ in polarity, charge, size and/or other properties. Moreover, in-silico analyses, including protein predictors and evolutionary conservation, support a deleterious effect. Other missense variants in nearby residues (I736V, I736L, I736T) have been reported in the Human Gene Mutation Database and at GeneDx in association with cardiomyopathy, supporting the functional importance of this region of the protein. In addition, this variant is located in the myosin motor domain, a region enriched with missense variants reported in association with HCM (Walsh et al., 2017; Kelly et al., 2018). Nevertheless, the novel D737Y variant lacks observation in a significant number of affected individuals, segregation data, and functional evidence, which would further clarify its pathogenicity. Therefore, based on the currently available information, it is unclear whether this variant is pathogenic or rare benign.

Literature cited by the submitters: PubMed 27532257 (cited by Labcorp Genetics (formerly Invitae), Labcorp).